The following is an entry in ClinVar:

NM_012309.5(SHANK2):c.2548A>C (p.Ile850Leu)

Gene: SHANK2 (SH3 and multiple ankyrin repeat domains 2; minus strand). Cytogenetic location: 11q13.3.
Variant type: single nucleotide variant.
Coding change: c.2548A>C on transcript NM_012309.5 (MANE Select); coding-DNA position 2548, A replaced by C.
Protein change: p.Ile850Leu; replaces isoleucine 850 with leucine.
Molecular consequence: missense variant.
Genome position (GRCh38, 1-based): chr11:70,490,279, T>G on the plus strand (A>C on the coding strand, the complement: SHANK2 is on the minus strand). VCF-style: chr11-70490279-T-G. GRCh37 (hg19) VCF-style: chr11-70336384-T-G.
Other names: c.1411A>C, p.Ile471Leu (NM_001379226.1); c.784A>C, p.Ile262Leu (NM_133266.5); short protein forms I262L, I471L, I850L.
Identifiers: ClinVar variation 3049931 (VCV003049931.1), dbSNP rs1591494187, ClinGen allele CA381690631.

ClinVar aggregate classification (germline): Likely benign (1 of 4 stars; one submission).

Conditions:
SHANK2-related disorder.

Submission:

PreventionGenetics, part of Exact Sciences
Classification: Likely benign for SHANK2-related condition. Last evaluated: 2019-07-23. Review status: criteria provided, single submitter. Criteria: ACMG Guidelines, 2015. Collection method: clinical testing. Allele origin: germline.
Comment: This variant is classified as likely benign based on ACMG/AMP sequence variant interpretation guidelines (Richards et al. 2015 PMID: 25741868, with internal and published modifications).